The following is an entry in ClinVar:

ClinVar aggregate classification (germline): Uncertain significance (1 of 4 stars; one submission).

Conditions:
Hereditary cancer-predisposing syndrome. Also called: Neoplastic Syndromes, Hereditary; Tumor predisposition; Hereditary neoplastic syndrome; Hereditary Cancer Syndrome. Identifiers: Orphanet 140162, MedGen C0027672, MeSH D009386, MONDO:0015356.

Allele frequency attached by ClinVar (database versions not stated): gnomAD exomes below 0.00001.
gnomAD v4.1: 1 of 1,614,136 alleles (0.000062%); highest among the groups gnomAD compares: South Asian, 0.0011%; no homozygotes.

Submission:

Ambry Genetics
Classification: Uncertain significance for Hereditary cancer-predisposing syndrome. Last evaluated: 2023-12-05. Review status: criteria provided, single submitter. Criteria: Ambry Variant Classification Scheme 2023. Collection method: clinical testing. Allele origin: germline.
Comment: The p.S386C variant (also known as c.1157C>G), located in coding exon 12 of the FANCC gene, results from a C to G substitution at nucleotide position 1157. The serine at codon 386 is replaced by cysteine, an amino acid with dissimilar properties. This amino acid position is conserved. In addition, the in silico prediction for this alteration is inconclusive. Since supporting evidence is limited at this time, the clinical significance of this alteration remains unclear.

NM_000136.3(FANCC):c.1157C>G (p.Ser386Cys)

Genes: FANCC (FA complementation group C; minus strand), AOPEP (aminopeptidase O (putative); plus strand). Cytogenetic location: 9q22.32.
Variant type: single nucleotide variant.
Coding change: c.1157C>G on transcript NM_000136.3 (MANE Select); coding-DNA position 1157, C replaced by G.
Protein change: p.Ser386Cys; replaces serine 386 with cysteine.
Molecular consequence: missense variant.
Genome position (GRCh38, 1-based): chr9:95,111,635, G>C on the plus strand (C>G on the coding strand, the complement: FANCC is on the minus strand). VCF-style: chr9-95111635-G-C. GRCh37 (hg19) VCF-style: chr9-97873917-G-C.
Other names: c.1157C>G, p.Ser386Cys (NM_001243743.2, NM_001243744.2); short protein forms S386C.
Identifiers: ClinVar variation 3230356 (VCV003230356.1), dbSNP rs2540889050, ClinGen allele CA374107582.